The following is an entry in ClinVar:

NM_001372.4(DNAH9):c.10854_10855inv (p.Thr3618_Leu3619=)

Genes: DNAH9 (dynein axonemal heavy chain 9; plus strand), LOC101928350 (uncharacterized LOC101928350; minus strand). Cytogenetic location: 17p12.
Variant type: Inversion.
Coding change: c.10854_10855inv on transcript NM_001372.4 (MANE Select).
Protein change: p.Thr3618_Leu3619=.
Molecular consequence: synonymous variant. On other transcripts: 5 prime UTR variant (1).
Genome position: GRCh38 VCF-style: chr17-11883633-GT-AC. GRCh37 (hg19) VCF-style: chr17-11786950-GT-AC.
Other names: c.-211_-210inv (NM_004662.2).
Identifiers: ClinVar variation 2184055 (VCV002184055.4), ClinGen allele CA2580092551.

ClinVar aggregate classification (germline): Uncertain significance (1 of 4 stars; one submission).

Submission:

Labcorp Genetics (formerly Invitae), Labcorp
Classification: Uncertain significance. Last evaluated: 2023-12-22. Review status: criteria provided, single submitter. Criteria: Invitae Variant Classification Sherloc (09022015). Collection method: clinical testing. Allele origin: germline.
Comment: This sequence change affects codon 3618 of the DNAH9 mRNA. It is a 'silent' change, meaning that it does not change the encoded amino acid sequence of the DNAH9 protein. Information on the frequency of this variant in the gnomAD database is not available, as this variant may be reported differently in the database. This variant has not been reported in the literature in individuals affected with DNAH9-related conditions. ClinVar contains an entry for this variant (Variation ID: 2184055). Experimental studies and prediction algorithms are not available or were not evaluated, and the effect of this variant on mRNA splicing is currently unknown. In summary, the available evidence is currently insufficient to determine the role of this variant in disease. Therefore, it has been classified as a Variant of Uncertain Significance.